The following is an entry in ClinVar:

NM_000257.4(MYH7):c.3943C>T (p.Leu1315Phe)

Gene: MYH7 (myosin heavy chain 7; minus strand). Cytogenetic location: 14q11.2.
Variant type: single nucleotide variant.
Coding change: c.3943C>T on transcript NM_000257.4 (MANE Select); coding-DNA position 3943, C replaced by T.
Protein change: p.Leu1315Phe; replaces leucine 1315 with phenylalanine.
Molecular consequence: missense variant.
Genome position (GRCh38, 1-based): chr14:23,419,206, G>A on the plus strand (C>T on the coding strand, the complement: MYH7 is on the minus strand). VCF-style: chr14-23419206-G-A. GRCh37 (hg19) VCF-style: chr14-23888415-G-A.
Other names: short protein forms L1315F.
Identifiers: ClinVar variation 1481110 (VCV001481110.6), dbSNP rs1410616733, ClinGen allele CA389041515.

ClinVar aggregate classification (germline): Uncertain significance (1 of 4 stars; one submission).

Conditions:
Hypertrophic cardiomyopathy. Also called: HYPERTROPHIC MYOCARDIOPATHY. Identifiers: Orphanet 217569, MedGen C0007194, MeSH D002312, MONDO:0005045, HP:0001639.

Allele frequency attached by ClinVar (database versions not stated): gnomAD exomes below 0.00001.
gnomAD v4.1: 1 of 1,614,216 alleles (0.000062%); highest among the groups gnomAD compares: South Asian, 0.0011%; no homozygotes.

Submission:

Labcorp Genetics (formerly Invitae), Labcorp
Classification: Uncertain significance for Hypertrophic cardiomyopathy. Last evaluated: 2021-07-17. Review status: criteria provided, single submitter. Criteria: Invitae Variant Classification Sherloc (09022015). Collection method: clinical testing. Allele origin: germline.
Comment: This variant has not been reported in the literature in individuals affected with MYH7-related conditions. This sequence change replaces leucine with phenylalanine at codon 1315 of the MYH7 protein (p.Leu1315Phe). The leucine residue is highly conserved and there is a small physicochemical difference between leucine and phenylalanine. This variant is not present in population databases (ExAC no frequency). Algorithms developed to predict the effect of missense changes on protein structure and function are either unavailable or do not agree on the potential impact of this missense change (SIFT: "Deleterious"; PolyPhen-2: "Probably Damaging"; Align-GVGD: "Class C0"). In summary, the available evidence is currently insufficient to determine the role of this variant in disease. Therefore, it has been classified as a Variant of Uncertain Significance.